The following is an entry in ClinVar:

ClinVar aggregate classification (germline): Uncertain significance. Review status: criteria provided, multiple submitters, no conflicts (2 of 4 stars). 3 submissions from 3 submitters: Uncertain significance (3). Last evaluated 2025-08-09.

Conditions:
Hereditary spastic paraplegia 30. Identifiers: Orphanet 101010, MedGen C5235139, MONDO:0012476.
Neuropathy, hereditary sensory, type 2C. Also called: KIF1A-Related HSAN2 (HSAN2C); Hereditary sensory and autonomic neuropathy type IIC. Identifiers: Orphanet 970, MedGen C3280168, MONDO:0013634, OMIM 614213.
Intellectual disability, autosomal dominant 9 (NESCAVS). Also called: NESCAV SYNDROME; KIF1A-Related Neurodevelopmental Disorder. Identifiers: Orphanet 662367, MedGen C5393830, MONDO:0013656, OMIM 614255.

Allele frequency attached by ClinVar (database versions not stated): gnomAD exomes below 0.00001 and 0.00001; ExAC 0.00001; gnomAD 0.00001; TOPMed 0.00003; ESP Exome Variant Server 0.00008.
gnomAD v4.1: 11 of 1,612,548 alleles (0.00068%); highest among the groups gnomAD compares: East Asian, 0.0067%; no homozygotes.

Submissions (3):

Labcorp Genetics (formerly Invitae), Labcorp
Classification: Uncertain significance for Hereditary spastic paraplegia 30; Neuropathy, hereditary sensory, type 2C; Intellectual disability, autosomal dominant 9. Last evaluated: 2025-08-09. Review status: criteria provided, single submitter. Criteria: Invitae Variant Classification Sherloc (09022015). Collection method: clinical testing. Allele origin: germline.
Comment: This sequence change replaces glutamic acid, which is acidic and polar, with lysine, which is basic and polar, at codon 1015 of the KIF1A protein (p.Glu1015Lys). This variant is present in population databases (rs377010898, gnomAD 0.0009%). This variant has not been reported in the literature in individuals affected with KIF1A-related conditions. ClinVar contains an entry for this variant (Variation ID: 335270). Invitae Evidence Modeling of protein sequence and biophysical properties (such as structural, functional, and spatial information, amino acid conservation, physicochemical variation, residue mobility, and thermodynamic stability) has been performed for this missense variant. However, the output from this modeling did not meet the statistical confidence thresholds required to predict the impact of this variant on KIF1A protein function. In summary, the available evidence is currently insufficient to determine the role of this variant in disease. Therefore, it has been classified as a Variant of Uncertain Significance.

CeGaT Center for Human Genetics Tuebingen
Classification: Uncertain significance. Last evaluated: 2025-05-01. Review status: criteria provided, single submitter. Criteria: CeGaT Center For Human Genetics Tuebingen Variant Classification Criteria Version 2. Collection method: clinical testing. Allele origin: germline. Affected: yes. Observed: 1 variant allele.
Comment: KIF1A: PM2, PP3

Illumina Laboratory Services, Illumina
Classification: Uncertain significance for Spastic paraplegia 30A, autosomal dominant. Last evaluated: 2018-01-12. Review status: criteria provided, single submitter. Criteria: ICSL Variant Classification Criteria 13 December 2019. Collection method: clinical testing. Allele origin: germline.

NM_001244008.2(KIF1A):c.3346G>A (p.Glu1116Lys)

Gene: KIF1A (kinesin family member 1A; minus strand). Cytogenetic location: 2q37.3.
Variant type: single nucleotide variant.
Coding change: c.3346G>A on transcript NM_001244008.2 (MANE Select); coding-DNA position 3346, G replaced by A.
Protein change: p.Glu1116Lys; replaces glutamic acid 1116 with lysine.
Molecular consequence: missense variant.
Genome position (GRCh38, 1-based): chr2:240,745,766, C>T on the plus strand (G>A on the coding strand, the complement: KIF1A is on the minus strand). VCF-style: chr2-240745766-C-T. GRCh37 (hg19) VCF-style: chr2-241685183-C-T.
Other names: c.3070G>A, p.Glu1024Lys (NM_001320705.2, NM_001330289.2, NM_001379638.1); c.3145G>A, p.Glu1049Lys (NM_001330290.2, NM_001379634.1, NM_001379635.1 and 1 more transcripts); c.3421G>A, p.Glu1141Lys (NM_001379631.1); c.3295G>A, p.Glu1099Lys (NM_001379632.1); c.3319G>A, p.Glu1107Lys (NM_001379633.1, NM_001379642.1, NM_001379645.1); c.3043G>A, p.Glu1015Lys (NM_001379636.1, NM_001379639.1, NM_001379641.1 and 5 more transcripts); c.3118G>A, p.Glu1040Lys (NM_001379637.1, NM_001379648.1); c.3040G>A, p.Glu1014Lys (NM_001379640.1); short protein forms E1015K, E1116K, E1049K, E1024K, E1014K, E1040K, E1099K, E1107K.
Identifiers: ClinVar variation 335270 (VCV000335270.23), dbSNP rs377010898, ClinGen allele CA2207839.